The following is an entry in ClinVar:

NM_000601.6(HGF):c.854T>C (p.Ile285Thr)

Gene: HGF (hepatocyte growth factor; minus strand). Cytogenetic location: 7q21.11.
Variant type: single nucleotide variant.
Coding change: c.854T>C on transcript NM_000601.6 (MANE Select); coding-DNA position 854, T replaced by C.
Protein change: p.Ile285Thr; replaces isoleucine 285 with threonine.
Molecular consequence: missense variant.
Genome position (GRCh38, 1-based): chr7:81,743,364, A>G on the plus strand (T>C on the coding strand, the complement: HGF is on the minus strand). VCF-style: chr7-81743364-A-G. GRCh37 (hg19) VCF-style: chr7-81372680-A-G.
Other names: c.854T>C, p.Ile285Thr (NM_001010931.3); c.839T>C, p.Ile280Thr (NM_001010932.3, NM_001010933.3); short protein forms I280T, I285T.
Identifiers: ClinVar variation 3383572 (VCV003383572.2).

ClinVar aggregate classification (germline): Uncertain significance. Review status: criteria provided, multiple submitters, no conflicts (2 of 4 stars). 2 submissions from 2 submitters: Uncertain significance (2). Last evaluated 2024-05-28.

gnomAD v4.1: 20 of 1,601,220 alleles (0.0012%); highest among the groups gnomAD compares: East Asian, 0.045%; no homozygotes.

Submissions (2):

GeneDx
Classification: Uncertain significance. Last evaluated: 2024-05-28. Review status: criteria provided, single submitter. Criteria: GeneDx Variant Classification Process June 2021. Collection method: clinical testing. Allele origin: germline. Affected: yes.
Comment: In silico analysis supports that this missense variant has a deleterious effect on protein structure/function; Has not been previously published as pathogenic or benign to our knowledge

Blueprint Genetics
Classification: Uncertain significance. Last evaluated: 2022-10-11. Review status: criteria provided, single submitter. Criteria: ACMG Guidelines, 2015. Collection method: clinical testing. Allele origin: germline.